The following is an entry in ClinVar:

ClinVar aggregate classification (germline): Conflicting classifications of pathogenicity. Review status: criteria provided, conflicting classifications (1 of 4 stars). 4 submissions from 4 submitters: Uncertain significance (3); Benign (1). Last evaluated 2025-12-08.

Conditions:
Cardiovascular phenotype. Identifiers: MedGen CN230736.
Duchenne muscular dystrophy (DMD). Also called: Duchenne Muscular Dystrophy (DMD); MUSCULAR DYSTROPHY, PSEUDOHYPERTROPHIC PROGRESSIVE, DUCHENNE TYPE. Identifiers: Orphanet 98896, MedGen C0013264, MONDO:0010679, OMIM 310200.

Allele frequency attached by ClinVar (database versions not stated): gnomAD exomes 0.00002; TOPMed 0.00003; gnomAD 0.00004.
gnomAD v4.1: 31 of 1,201,560 alleles (0.0026%); highest among the groups gnomAD compares: Admixed American, 0.0044%; no homozygotes.

Submissions (4):

Labcorp Genetics (formerly Invitae), Labcorp
Classification: Benign for Duchenne muscular dystrophy. Last evaluated: 2025-12-08. Review status: criteria provided, single submitter. Criteria: Invitae Variant Classification Sherloc (09022015). Collection method: clinical testing. Allele origin: germline.

Ambry Genetics
Classification: Uncertain significance for Cardiovascular phenotype. Last evaluated: 2023-08-24. Review status: criteria provided, single submitter. Criteria: Ambry Variant Classification Scheme 2023. Collection method: clinical testing. Allele origin: germline.
Comment: The p.H3531R variant (also known as c.10592A>G), located in coding exon 75 of the DMD gene, results from an A to G substitution at nucleotide position 10592. The histidine at codon 3531 is replaced by arginine, an amino acid with highly similar properties. Based on data from gnomAD, the G allele has an overall frequency of 0.003% (5/198759) total alleles studied, with 2 hemizygote(s) observed. The highest observed frequency was 0.006% (5/89009) of European (non-Finnish) alleles. This amino acid position is highly conserved in available vertebrate species. In addition, this alteration is predicted to be tolerated by in silico analysis. Since supporting evidence is limited at this time, the clinical significance of this alteration remains unclear.

Revvity Omics, Revvity
Classification: Uncertain significance. Last evaluated: 2019-05-23. Review status: criteria provided, single submitter. Criteria: ACMG Guidelines, 2015. Collection method: clinical testing. Allele origin: germline.

Eurofins Ntd Llc (ga)
Classification: Uncertain significance. Last evaluated: 2017-08-14. Review status: criteria provided, single submitter. Criteria: EGL Classification Definitions 2015. Collection method: clinical testing. Allele origin: germline. Observed: 1 variant allele, 1 hemizygote.

NM_004006.3(DMD):c.10592A>G (p.His3531Arg)

Gene: DMD (dystrophin; minus strand). Cytogenetic location: Xp21.2.
Variant type: single nucleotide variant.
Coding change: c.10592A>G on transcript NM_004006.3 (MANE Select); coding-DNA position 10592, A replaced by G.
Protein change: p.His3531Arg; replaces histidine 3531 with arginine.
Molecular consequence: missense variant.
Genome position (GRCh38, 1-based): chrX:31,147,480, T>C on the plus strand (A>G on the coding strand, the complement: DMD is on the minus strand). VCF-style: chrX-31147480-T-C. GRCh37 (hg19) VCF-style: chrX-31165597-T-C.
Other names: c.10568A>G, p.His3523Arg (NM_000109.4); c.10580A>G, p.His3527Arg (NM_004009.3); c.10223A>G, p.His3408Arg (NM_004010.3); c.6569A>G, p.His2190Arg (NM_004011.4); c.6560A>G, p.His2187Arg (NM_004012.4); c.3212A>G, p.His1071Arg (NM_004013.3, NM_004021.3); c.2405A>G, p.His802Arg (NM_004014.3); c.1388A>G, p.His463Arg (NM_004015.3, NM_004016.3); and 3 more; short protein forms H3531R, H961R, H1058R, H1071R, H2190R, H3523R, H450R, H3408R.
Identifiers: ClinVar variation 286157 (VCV000286157.20), dbSNP rs886043324, ClinGen allele CA10605380.